The following is an entry in ClinVar:

ClinVar aggregate classification (germline): Pathogenic (1 of 4 stars; one submission).

Submission:

Labcorp Genetics (formerly Invitae), Labcorp
Classification: Pathogenic. Last evaluated: 2021-12-24. Review status: criteria provided, single submitter. Criteria: Invitae Variant Classification Sherloc (09022015). Collection method: clinical testing. Allele origin: germline.
Comment: This sequence change creates a premature translational stop signal (p.Tyr77Thrfs*5) in the SCP2 gene. It is expected to result in an absent or disrupted protein product. Loss-of-function variants in SCP2 are known to be pathogenic (PMID: 16685654, 26497993). This variant is not present in population databases (gnomAD no frequency). This variant has not been reported in the literature in individuals affected with SCP2-related conditions. For these reasons, this variant has been classified as Pathogenic.

Literature cited by the submitters: PubMed 16685654; PubMed 26497993.

NM_002979.5(SCP2):c.229_232del (p.Tyr77fs)

Gene: SCP2 (sterol carrier protein 2; plus strand). Cytogenetic location: 1p32.3.
Variant type: Microsatellite.
Coding change: c.229_232del on transcript NM_002979.5 (MANE Select); coding-DNA positions 229 to 232, 4 bases deleted (TATC; older notation c.229_232delTATC).
Protein change: p.Tyr77fs; shifts the reading frame from tyrosine 77.
Molecular consequence: frameshift variant. On other transcripts: 5 prime UTR variant (1), intron variant (2).
Genome position (GRCh38, 1-based): chr1:52,950,784-52,950,787, TATC deleted; deleting any 4 consecutive bases within chr1:52,950,779-52,950,787 gives the same sequence; the c. name uses the placement nearest the transcript's 3' end. VCF-style (leftmost placement, unchanged base first): chr1-52950778-GCTAT-G. GRCh37 (hg19) VCF-style: chr1-53416450-GCTAT-G.
Other names: c.157_160del, p.Tyr53fs (NM_001193599.2); c.-19TATC[1] (NM_001193617.2); c.229_232del, p.Tyr77fs (NM_001330587.2); c.199+2704_199+2707del (NM_001193600.2, NM_001007098.3); short protein forms Y53fs, Y77fs.
Identifiers: ClinVar variation 2059273 (VCV002059273.4), dbSNP rs2524498600, ClinGen allele CA2580611487.